The following is an entry in ClinVar:

NM_003238.6(TGFB2):c.611C>T (p.Thr204Ile)

Gene: TGFB2 (transforming growth factor beta 2; plus strand). Cytogenetic location: 1q41.
Variant type: single nucleotide variant.
Coding change: c.611C>T on transcript NM_003238.6 (MANE Select); coding-DNA position 611, C replaced by T.
Protein change: p.Thr204Ile; replaces threonine 204 with isoleucine.
Molecular consequence: missense variant. On other transcripts: non-coding transcript variant (2).
Genome position (GRCh38, 1-based): chr1:218,434,182, C>T. VCF-style: chr1-218434182-C-T. GRCh37 (hg19) VCF-style: chr1-218607524-C-T.
Other names: p.Thr204Ile; c.695C>T, p.Thr232Ile (NM_001135599.4); short protein forms T232I, T204I.
Identifiers: ClinVar variation 956164 (VCV000956164.16), dbSNP rs1659896577, ClinGen allele CA344726638.

ClinVar aggregate classification (germline): Uncertain significance. Review status: criteria provided, multiple submitters, no conflicts (2 of 4 stars). 4 submissions from 4 submitters: Uncertain significance (4). Last evaluated 2025-09-16.

Conditions:
Familial thoracic aortic aneurysm and aortic dissection (TAAD). Also called: Thoracic aortic aneurysms and dissections. Identifiers: Orphanet 91387, MedGen C4707243, MONDO:0019625.
Loeys-Dietz syndrome 4 (LDS4). Also called: ANEURYSM, AORTIC AND CEREBRAL, WITH ARTERIAL TORTUOSITY AND SKELETAL MANIFESTATIONS; TGFB2-Related Loeys-Dietz Syndrome. Identifiers: MedGen C3553762, MONDO:0013897, OMIM 614816.

Allele frequency attached by ClinVar (database versions not stated): gnomAD exomes below 0.00001.
gnomAD v4.1: 4 of 1,614,184 alleles (0.00025%); highest among the groups gnomAD compares: Non-Finnish European, 0.00034%; no homozygotes.

Submissions (4):

Mayo Clinic Laboratories, Mayo Clinic
Classification: Uncertain significance. Last evaluated: 2025-09-16. Review status: criteria provided, single submitter. Criteria: ACMG Guidelines, 2015. Collection method: clinical testing. Allele origin: germline. Observed: 1 variant allele.
Comment: PP3, PM1, PM2_supporting

Labcorp Genetics (formerly Invitae), Labcorp
Classification: Uncertain significance for Loeys-Dietz syndrome 4. Last evaluated: 2025-03-26. Review status: criteria provided, single submitter. Criteria: Invitae Variant Classification Sherloc (09022015). Collection method: clinical testing. Allele origin: germline.
Comment: This sequence change replaces threonine, which is neutral and polar, with isoleucine, which is neutral and non-polar, at codon 204 of the TGFB2 protein (p.Thr204Ile). This variant is not present in population databases (gnomAD no frequency). This variant has not been reported in the literature in individuals affected with TGFB2-related conditions. ClinVar contains an entry for this variant (Variation ID: 956164). Invitae Evidence Modeling of protein sequence and biophysical properties (such as structural, functional, and spatial information, amino acid conservation, physicochemical variation, residue mobility, and thermodynamic stability) indicates that this missense variant is expected to disrupt TGFB2 protein function with a positive predictive value of 80%. In summary, the available evidence is currently insufficient to determine the role of this variant in disease. Therefore, it has been classified as a Variant of Uncertain Significance.

Department of Pathology and Laboratory Medicine, Sinai Health System
Classification: Uncertain significance for Loeys-Dietz syndrome 4. Last evaluated: 2023-03-20. Review status: criteria provided, single submitter. Criteria: ACMG Guidelines, 2015. Collection method: research. Allele origin: germline.

Ambry Genetics
Classification: Uncertain significance for Familial thoracic aortic aneurysm and aortic dissection. Last evaluated: 2019-10-08. Review status: criteria provided, single submitter. Criteria: Ambry Variant Classification Scheme 2023. Collection method: clinical testing. Allele origin: germline.
Comment: The p.T204I variant (also known as c.611C>T), located in coding exon 3 of the TGFB2 gene, results from a C to T substitution at nucleotide position 611. The threonine at codon 204 is replaced by isoleucine, an amino acid with similar properties. This amino acid position is highly conserved in available vertebrate species. In addition, this alteration is predicted to be deleterious by in silico analysis. Since supporting evidence is limited at this time, the clinical significance of this alteration remains unclear.

Literature cited by the submitters: PubMed 20308061 (cited by Mayo Clinic Laboratories, Mayo Clinic); PubMed 35309318 (cited by Mayo Clinic Laboratories, Mayo Clinic).